The following is an entry in ClinVar:

ClinVar aggregate classification (germline): Uncertain significance. Review status: criteria provided, multiple submitters, no conflicts (2 of 4 stars). 3 submissions from 3 submitters: Uncertain significance (3). Last evaluated 2024-11-27.

Conditions:
Inborn genetic diseases. Identifiers: MedGen C0950123, MeSH D030342.
Baller-Gerold syndrome (BGS). Also called: CRANIOSYNOSTOSIS WITH RADIAL DEFECTS. Identifiers: Orphanet 1225, MedGen C0265308, MONDO:0009039, OMIM 218600.

Allele frequency attached by ClinVar (database versions not stated): TOPMed 0.00001.
gnomAD v4.1: 10 of 1,565,444 alleles (0.00064%); highest among the groups gnomAD compares: South Asian, 0.0012%; no homozygotes.

Submissions (3):

Ambry Genetics
Classification: Uncertain significance for Inborn genetic diseases. Last evaluated: 2024-11-27. Review status: criteria provided, single submitter. Criteria: Ambry Variant Classification Scheme 2023. Collection method: clinical testing. Allele origin: germline.
Comment: The p.M490T variant (also known as c.1469T>C), located in coding exon 8 of the RECQL4 gene, results from a T to C substitution at nucleotide position 1469. The methionine at codon 490 is replaced by threonine, an amino acid with similar properties. This amino acid position is conserved. In addition, this alteration is predicted to be deleterious by in silico analysis. Based on the available evidence, the clinical significance of this variant remains unclear.

Labcorp Genetics (formerly Invitae), Labcorp
Classification: Uncertain significance for Baller-Gerold syndrome. Last evaluated: 2024-08-27. Review status: criteria provided, single submitter. Criteria: Invitae Variant Classification Sherloc (09022015). Collection method: clinical testing. Allele origin: germline.
Comment: This sequence change replaces methionine, which is neutral and non-polar, with threonine, which is neutral and polar, at codon 490 of the RECQL4 protein (p.Met490Thr). This variant is not present in population databases (gnomAD no frequency). This variant has not been reported in the literature in individuals affected with RECQL4-related conditions. ClinVar contains an entry for this variant (Variation ID: 459331). Invitae Evidence Modeling of protein sequence and biophysical properties (such as structural, functional, and spatial information, amino acid conservation, physicochemical variation, residue mobility, and thermodynamic stability) indicates that this missense variant is expected to disrupt RECQL4 protein function with a positive predictive value of 80%. In summary, the available evidence is currently insufficient to determine the role of this variant in disease. Therefore, it has been classified as a Variant of Uncertain Significance.

GeneDx
Classification: Uncertain significance. Last evaluated: 2023-08-16. Review status: criteria provided, single submitter. Criteria: GeneDx Variant Classification Process June 2021. Collection method: clinical testing. Allele origin: germline. Affected: yes.
Comment: Not observed at significant frequency in large population cohorts (gnomAD); In silico analysis supports that this missense variant has a deleterious effect on protein structure/function; Has not been previously published as pathogenic or benign to our knowledge

NM_004260.4(RECQL4):c.1469T>C (p.Met490Thr)

Gene: RECQL4 (RecQ like helicase 4; minus strand). Cytogenetic location: 8q24.3.
Variant type: single nucleotide variant.
Coding change: c.1469T>C on transcript NM_004260.4 (MANE Select); coding-DNA position 1469, T replaced by C.
Protein change: p.Met490Thr; replaces methionine 490 with threonine.
Molecular consequence: missense variant.
Genome position (GRCh38, 1-based): chr8:144,515,164, A>G on the plus strand (T>C on the coding strand, the complement: RECQL4 is on the minus strand). VCF-style: chr8-144515164-A-G. GRCh37 (hg19) VCF-style: chr8-145740548-A-G.
Other names: short protein forms M490T.
Identifiers: ClinVar variation 459331 (VCV000459331.9), dbSNP rs1554900934, ClinGen allele CA372684581.